The following is an entry in ClinVar:

ClinVar aggregate classification (germline): Uncertain significance. Review status: criteria provided, multiple submitters, no conflicts (2 of 4 stars). 2 submissions from 2 submitters: Uncertain significance (2). Last evaluated 2025-02-28.

Allele frequency attached by ClinVar (database versions not stated): gnomAD exomes below 0.00001.
gnomAD v4.1: 2 of 1,613,342 alleles (0.00012%); highest among the groups gnomAD compares: Admixed American, 0.0017%; no homozygotes.

Submissions (2):

Ambry Genetics
Classification: Uncertain significance. Last evaluated: 2025-02-28. Review status: criteria provided, single submitter. Criteria: Ambry Variant Classification Scheme 2023. Collection method: clinical testing. Allele origin: germline.
Comment: The p.H490N variant (also known as c.1468C>A), located in coding exon 13 of the GEN1 gene, results from a C to A substitution at nucleotide position 1468. The histidine at codon 490 is replaced by asparagine, an amino acid with similar properties. This amino acid position is conserved. In addition, this alteration is predicted to be tolerated by in silico analysis. Based on the available evidence, the clinical significance of this variant remains unclear.

Labcorp Genetics (formerly Invitae), Labcorp
Classification: Uncertain significance. Last evaluated: 2021-06-11. Review status: criteria provided, single submitter. Criteria: Invitae Variant Classification Sherloc (09022015). Collection method: clinical testing. Allele origin: germline.
Comment: This sequence change replaces histidine with asparagine at codon 490 of the GEN1 protein (p.His490Asn). The histidine residue is weakly conserved and there is a small physicochemical difference between histidine and asparagine. This variant is not present in population databases (ExAC no frequency). This variant has not been reported in the literature in individuals with GEN1-related conditions. Algorithms developed to predict the effect of missense changes on protein structure and function (SIFT, PolyPhen-2, Align-GVGD) all suggest that this variant is likely to be tolerated, but these predictions have not been confirmed by published functional studies and their clinical significance is uncertain. In summary, the available evidence is currently insufficient to determine the role of this variant in disease. Therefore, it has been classified as a Variant of Uncertain Significance.

NM_001130009.3(GEN1):c.1468C>A (p.His490Asn)

Gene: GEN1 (GEN1 structure-specific endonuclease; plus strand). Cytogenetic location: 2p24.2.
Variant type: single nucleotide variant.
Coding change: c.1468C>A on transcript NM_001130009.3 (MANE Select); coding-DNA position 1468, C replaced by A.
Protein change: p.His490Asn; replaces histidine 490 with asparagine.
Molecular consequence: missense variant.
Genome position (GRCh38, 1-based): chr2:17,780,680, C>A. VCF-style: chr2-17780680-C-A. GRCh37 (hg19) VCF-style: chr2-17961947-C-A.
Other names: c.1468C>A, p.His490Asn (NM_182625.5); c.1468C>A (NM_001130009.1); short protein forms H490N.
Identifiers: ClinVar variation 1407302 (VCV001407302.9), dbSNP rs1247649774, ClinGen allele CA345925922.